The following is an entry in ClinVar:

NM_015375.3(DSTYK):c.1007A>G (p.Gln336Arg)

Gene: DSTYK (dual serine/threonine and tyrosine protein kinase; minus strand). Cytogenetic location: 1q32.1.
Variant type: single nucleotide variant.
Coding change: c.1007A>G on transcript NM_015375.3 (MANE Select); coding-DNA position 1007, A replaced by G.
Protein change: p.Gln336Arg; replaces glutamine 336 with arginine.
Molecular consequence: missense variant.
Genome position (GRCh38, 1-based): chr1:205,169,480, T>C on the plus strand (A>G on the coding strand, the complement: DSTYK is on the minus strand). VCF-style: chr1-205169480-T-C. GRCh37 (hg19) VCF-style: chr1-205138608-T-C.
Other names: c.1007A>G, p.Gln336Arg (NM_199462.3); short protein forms Q336R.
Identifiers: ClinVar variation 807906 (VCV000807906.49), dbSNP rs377628453, ClinGen allele CA1352921.

ClinVar aggregate classification (germline): Conflicting classifications of pathogenicity. Review status: criteria provided, conflicting classifications (1 of 4 stars). 3 submissions from 3 submitters: Uncertain significance (2); Likely benign (1). Last evaluated 2024-10-25.

Allele frequency attached by ClinVar (database versions not stated): gnomAD 0.00011 and 0.00014; TOPMed 0.00012; ESP Exome Variant Server 0.00015; 1000 Genomes Project 30x 0.00016; 1000 Genomes Project 0.00020; gnomAD exomes 0.00020 and 0.00025; ExAC 0.00027.
gnomAD v4.1: 324 of 1,614,170 alleles (0.02%); highest among the groups gnomAD compares: Middle Eastern, 0.36%; 2 homozygotes.

Submissions (3):

Labcorp Genetics (formerly Invitae), Labcorp
Classification: Uncertain significance. Last evaluated: 2024-10-25. Review status: criteria provided, single submitter. Criteria: Invitae Variant Classification Sherloc (09022015). Collection method: clinical testing. Allele origin: germline.
Comment: This sequence change replaces glutamine, which is neutral and polar, with arginine, which is basic and polar, at codon 336 of the DSTYK protein (p.Gln336Arg). This variant is present in population databases (rs377628453, gnomAD 0.1%), and has an allele count higher than expected for a pathogenic variant. This variant has not been reported in the literature in individuals affected with DSTYK-related conditions. ClinVar contains an entry for this variant (Variation ID: 807906). An algorithm developed to predict the effect of missense changes on protein structure and function (PolyPhen-2) suggests that this variant is likely to be tolerated. In summary, the available evidence is currently insufficient to determine the role of this variant in disease. Therefore, it has been classified as a Variant of Uncertain Significance.

CeGaT Center for Human Genetics Tuebingen
Classification: Likely benign. Last evaluated: 2022-10-01. Review status: criteria provided, single submitter. Criteria: CeGaT Center For Human Genetics Tuebingen Variant Classification Criteria Version 2. Collection method: clinical testing. Allele origin: germline. Affected: yes. Observed: 2 variant alleles.
Comment: DSTYK: BP4

Breakthrough Genomics
Classification: Uncertain significance. Review status: criteria provided, single submitter. Criteria: ACMG Guidelines, 2015. Collection method: not provided. Allele origin: germline. Inheritance: Autosomal recessive inheritance. Affected: yes.